The following is an entry in ClinVar:

NM_001943.5(DSG2):c.893_898del (p.Ala298_Asp299del)

Gene: DSG2 (desmoglein 2; plus strand). Cytogenetic location: 18q12.1.
Variant type: Deletion.
Coding change: c.893_898del on transcript NM_001943.5 (MANE Select); coding-DNA positions 893 to 898, 6 bases deleted (CAGATG; older notation c.893_898delCAGATG).
Protein change: p.Ala298_Asp299del.
Molecular consequence: inframe deletion.
Genome position (GRCh38, 1-based): chr18:31,524,767-31,524,772, CAGATG deleted; deleting any 6 consecutive bases within chr18:31,524,763-31,524,772 gives the same sequence; the c. name uses the placement nearest the transcript's 3' end. VCF-style (leftmost placement, unchanged base first): chr18-31524762-CGATGCA-C. GRCh37 (hg19) VCF-style: chr18-29104725-CGATGCA-C.
Identifiers: ClinVar variation 835010 (VCV000835010.10), dbSNP rs1331118515, ClinGen allele CA629453640.

ClinVar aggregate classification (germline): Uncertain significance (1 of 4 stars; one submission).

Conditions:
Arrhythmogenic right ventricular dysplasia 10. Also called: Arrhythmogenic Right Ventricular Dysplasia/Cardiomyopathy10; ARRHYTHMOGENIC RIGHT VENTRICULAR DYSPLASIA, FAMILIAL, 10; Arrhythmogenic right ventricular dysplasia/cardiomyopathy, type 10. Identifiers: MedGen C1857777, MONDO:0012434, OMIM 610193.

Submission:

Labcorp Genetics (formerly Invitae), Labcorp
Classification: Uncertain significance for Arrhythmogenic right ventricular dysplasia 10. Last evaluated: 2023-04-24. Review status: criteria provided, single submitter. Criteria: Invitae Variant Classification Sherloc (09022015). Collection method: clinical testing. Allele origin: germline.
Comment: This variant, c.893_898del, results in the deletion of 2 amino acid(s) of the DSG2 protein (p.Ala298_Asp299del), but otherwise preserves the integrity of the reading frame. ClinVar contains an entry for this variant (Variation ID: 835010). This variant has not been reported in the literature in individuals affected with DSG2-related conditions. This variant is present in population databases (no rsID available, gnomAD 0.007%). In summary, the available evidence is currently insufficient to determine the role of this variant in disease. Therefore, it has been classified as a Variant of Uncertain Significance. Experimental studies and prediction algorithms are not available or were not evaluated, and the functional significance of this variant is currently unknown.